The following is an entry in ClinVar:

NM_001378328.1(CELSR1):c.3216G>C (p.Leu1072=)

Gene: CELSR1 (cadherin EGF LAG seven-pass G-type receptor 1; minus strand). Cytogenetic location: 22q13.31.
Variant type: single nucleotide variant.
Coding change: c.3216G>C on transcript NM_001378328.1 (MANE Select); coding-DNA position 3216, G replaced by C.
Protein change: p.Leu1072=; no amino-acid change (leucine 1072 retained).
Molecular consequence: synonymous variant.
Genome position (GRCh38, 1-based): chr22:46,533,955, C>G on the plus strand (G>C on the coding strand, the complement: CELSR1 is on the minus strand). VCF-style: chr22-46533955-C-G. GRCh37 (hg19) VCF-style: chr22-46929852-C-G.
Other names: c.3216G>C, p.Leu1072= (NM_014246.4).
Identifiers: ClinVar variation 3054474 (VCV003054474.3), dbSNP rs374835377, ClinGen allele CA10295062.

ClinVar aggregate classification (germline): Likely benign. Review status: criteria provided, single submitter (1 of 4 stars). 2 submissions from 2 submitters: Likely benign (1). 1 of the submissions does not count toward it. Last evaluated 2024-11-01.

Conditions:
CELSR1-related disorder. Also called: CELSR1-related condition.

Allele frequency attached by ClinVar (database versions not stated): gnomAD exomes below 0.00001; gnomAD 0.00001; TOPMed 0.00003; ExAC 0.00004.
gnomAD v4.1: 40 of 1,613,380 alleles (0.0025%); highest among the groups gnomAD compares: East Asian, 0.011%; 1 homozygote.

Submissions (2):

Blueprint Genetics
Classification: Likely benign. Last evaluated: 2024-11-01. Review status: criteria provided, single submitter. Criteria: ACMG Guidelines, 2015. Collection method: clinical testing. Allele origin: germline.

PreventionGenetics, part of Exact Sciences
Classification: Likely benign for CELSR1-related condition. Last evaluated: 2024-02-06. Review status: no assertion criteria provided. Collection method: clinical testing. Allele origin: germline. Not counted in ClinVar's aggregate classification.
Comment: This variant is classified as likely benign based on ACMG/AMP sequence variant interpretation guidelines (Richards et al. 2015 PMID: 25741868, with internal and published modifications).